The following is an entry in ClinVar:

ClinVar aggregate classification (germline): Uncertain significance (1 of 4 stars; one submission).

Allele frequency attached by ClinVar (database versions not stated): ExAC 0.00001.
gnomAD v4.1: 6 of 1,612,344 alleles (0.00037%); highest among the groups gnomAD compares: Non-Finnish European, 0.00051%; no homozygotes.

Submission:

Labcorp Genetics (formerly Invitae), Labcorp
Classification: Uncertain significance. Last evaluated: 2020-03-11. Review status: criteria provided, single submitter. Criteria: Invitae Variant Classification Sherloc (09022015). Collection method: clinical testing. Allele origin: germline.
Comment: In summary, the available evidence is currently insufficient to determine the role of this variant in disease. Therefore, it has been classified as a Variant of Uncertain Significance. Algorithms developed to predict the effect of missense changes on protein structure and function are either unavailable or do not agree on the potential impact of this missense change (SIFT: "Tolerated"; PolyPhen-2: "Probably Damaging"; Align-GVGD: "Class C0"). This variant has not been reported in the literature in individuals with CNNM4-related conditions. This variant is present in population databases (rs763749179, ExAC 0.001%). This sequence change replaces threonine with alanine at codon 258 of the CNNM4 protein (p.Thr258Ala). The threonine residue is moderately conserved and there is a small physicochemical difference between threonine and alanine.

NM_020184.4(CNNM4):c.772A>G (p.Thr258Ala)

Gene: CNNM4 (cyclin and CBS domain divalent metal cation transport mediator 4; plus strand). Cytogenetic location: 2q11.2.
Variant type: single nucleotide variant.
Coding change: c.772A>G on transcript NM_020184.4 (MANE Select); coding-DNA position 772, A replaced by G.
Protein change: p.Thr258Ala; replaces threonine 258 with alanine.
Molecular consequence: missense variant.
Genome position (GRCh38, 1-based): chr2:96,761,771, A>G. VCF-style: chr2-96761771-A-G. GRCh37 (hg19) VCF-style: chr2-97427508-A-G.
Other names: short protein forms T258A.
Identifiers: ClinVar variation 1041626 (VCV001041626.8), dbSNP rs763749179, ClinGen allele CA1783259.